The following is an entry in ClinVar:

NM_003000.3(SDHB):c.287-4T>C

Gene: SDHB (succinate dehydrogenase complex iron sulfur subunit B; minus strand). Cytogenetic location: 1p36.13.
Variant type: single nucleotide variant.
Coding change: c.287-4T>C on transcript NM_003000.3 (MANE Select); 4 bases into the intron before coding-DNA position 287, T replaced by C.
Molecular consequence: intron variant.
Genome position (GRCh38, 1-based): chr1:17,028,740, A>G on the plus strand (T>C on the coding strand, the complement: SDHB is on the minus strand). VCF-style: chr1-17028740-A-G. GRCh37 (hg19) VCF-style: chr1-17355235-A-G.
Identifiers: ClinVar variation 417298 (VCV000417298.24), dbSNP rs200419171, ClinGen allele CA089577.

ClinVar aggregate classification (germline): Benign/Likely benign. Review status: criteria provided, multiple submitters, no conflicts (2 of 4 stars). 7 submissions from 7 submitters: Benign (1); Likely benign (6). Last evaluated 2026-01-31.

Conditions:
Pheochromocytoma/paraganglioma syndrome 4. Also called: PARAGANGLIOMA, FAMILIAL MALIGNANT; PARAGANGLIOMAS, HEREDITARY EXTRAADRENAL; PHEOCHROMOCYTOMA, FAMILIAL EXTRAADRENAL; Paragangliomas 4; CAROTID BODY TUMORS AND MULTIPLE EXTRAADRENAL PHEOCHROMOCYTOMAS; SDHB-Related Hereditary Paraganglioma-Pheochromocytoma Syndrome (Paragangliomas 4). Identifiers: Orphanet 29072, MedGen C1861848, MONDO:0007273, OMIM 115310.
Gastrointestinal stromal tumor. Also called: Gastrointestinal stroma tumor; Gastrointestinal stromal tumor, somatic. Identifiers: Orphanet 44890, MedGen C0238198, MeSH D046152, MONDO:0011719, OMIM 606764, HP:0100723.
Pheochromocytoma. Also called: MAX-Related Hereditary Paraganglioma-Pheochromocytoma Syndrome. Identifiers: Orphanet 29072, MedGen C0031511, MONDO:0008233, OMIM 171300, HP:0002666.
Hereditary cancer-predisposing syndrome. Also called: Neoplastic Syndromes, Hereditary; Hereditary Cancer Syndrome; Hereditary neoplastic syndrome; Tumor predisposition. Identifiers: Orphanet 140162, MedGen C0027672, MeSH D009386, MONDO:0015356.
Hereditary pheochromocytoma and paraganglioma. Also called: Hereditary Paraganglioma-Pheochromocytoma Syndromes; Hereditary pheochromocytoma-paraganglioma; Hereditary paragangliomas and pheochromocytomas. Identifiers: Orphanet 29072, MedGen C4274332, MONDO:0017366.

Allele frequency attached by ClinVar (database versions not stated): gnomAD exomes below 0.00001 and 0.00002; ExAC 0.00001; gnomAD 0.00001; TOPMed 0.00002; ESP Exome Variant Server 0.00008.

Submissions (7):

Labcorp Genetics (formerly Invitae), Labcorp
Classification: Likely benign for Gastrointestinal stromal tumor; Pheochromocytoma/paraganglioma syndrome 4; Pheochromocytoma. Last evaluated: 2026-01-31. Review status: criteria provided, single submitter. Criteria: Invitae Variant Classification Sherloc (09022015). Collection method: clinical testing. Allele origin: germline.

Myriad Genetics, Inc.
Classification: Likely benign for Pheochromocytoma/paraganglioma syndrome 4. Last evaluated: 2025-03-12. Review status: criteria provided, single submitter. Criteria: Myriad Autosomal Dominant, Autosomal Recessive and X-Linked Classification Criteria (2023). Collection method: clinical testing. Allele origin: unknown.
Comment: This variant is considered likely benign. This variant is intronic and is not expected to impact mRNA splicing.

Color Diagnostics, LLC DBA Color Health
Classification: Likely benign for Hereditary pheochromocytoma and paraganglioma. Last evaluated: 2022-10-31. Review status: criteria provided, single submitter. Criteria: ACMG Guidelines, 2015. Collection method: clinical testing. Allele origin: germline.

Sema4
Classification: Likely benign for Hereditary cancer-predisposing syndrome. Last evaluated: 2021-03-19. Review status: criteria provided, single submitter. Criteria: Sema4 Curation Guidelines. Collection method: curation. Allele origin: germline.

Ambry Genetics
Classification: Benign for Hereditary cancer-predisposing syndrome. Last evaluated: 2020-03-30. Review status: criteria provided, single submitter. Criteria: Ambry Variant Classification Scheme 2023. Collection method: clinical testing. Allele origin: germline.

ARUP Laboratories, Molecular Genetics and Genomics, ARUP Laboratories
Classification: Likely benign. Last evaluated: 2020-02-18. Review status: criteria provided, single submitter. Criteria: ARUP Molecular Germline Variant Investigation Process. Collection method: clinical testing. Allele origin: germline.

GeneDx
Classification: Likely benign. Last evaluated: 2018-01-15. Review status: criteria provided, single submitter. Criteria: GeneDx Variant Classification (06012015). Collection method: clinical testing. Allele origin: germline. Affected: yes.
Comment: This variant is considered likely benign or benign based on one or more of the following criteria: it is a conservative change, it occurs at a poorly conserved position in the protein, it is predicted to be benign by multiple in silico algorithms, and/or has population frequency not consistent with disease.